The following is an entry in ClinVar:

ClinVar aggregate classification (germline): Conflicting classifications of pathogenicity. Review status: criteria provided, conflicting classifications (1 of 4 stars). 3 submissions from 3 submitters: Uncertain significance (1); Likely benign (2). Last evaluated 2025-01-06.

Allele frequency attached by ClinVar (database versions not stated): gnomAD 0.00002 and 0.00005; TOPMed 0.00003; ExAC 0.00004; gnomAD exomes 0.00004.

Submissions (3):

Labcorp Genetics (formerly Invitae), Labcorp
Classification: Uncertain significance. Last evaluated: 2025-01-06. Review status: criteria provided, single submitter. Criteria: Invitae Variant Classification Sherloc (09022015). Collection method: clinical testing. Allele origin: germline.
Comment: This sequence change replaces glycine, which is neutral and non-polar, with arginine, which is basic and polar, at codon 31 of the CACNA1F protein (p.Gly31Arg). This variant is present in population databases (rs782426237, gnomAD 0.009%). This variant has not been reported in the literature in individuals affected with CACNA1F-related conditions. ClinVar contains an entry for this variant (Variation ID: 391811). An algorithm developed to predict the effect of missense changes on protein structure and function (PolyPhen-2) suggests that this variant is likely to be disruptive. In summary, the available evidence is currently insufficient to determine the role of this variant in disease. Therefore, it has been classified as a Variant of Uncertain Significance.

Blueprint Genetics
Classification: Likely benign. Last evaluated: 2024-11-11. Review status: criteria provided, single submitter. Criteria: ACMG Guidelines, 2015. Collection method: clinical testing. Allele origin: germline.

GeneDx
Classification: Likely benign. Last evaluated: 2019-08-12. Review status: criteria provided, single submitter. Criteria: GeneDx Variant Classification Process June 2021. Collection method: clinical testing. Allele origin: germline. Affected: yes.
Comment: Has not been previously published as pathogenic or benign to our knowledge; In silico analysis, which includes protein predictors and evolutionary conservation, supports that this variant does not alter protein structure/function

NM_001256789.3(CACNA1F):c.91G>A (p.Gly31Arg)

Gene: CACNA1F (calcium voltage-gated channel subunit alpha1 F; minus strand). Cytogenetic location: Xp11.23.
Variant type: single nucleotide variant.
Coding change: c.91G>A on transcript NM_001256789.3 (MANE Select); coding-DNA position 91, G replaced by A.
Protein change: p.Gly31Arg; replaces glycine 31 with arginine.
Molecular consequence: missense variant. On other transcripts: intron variant (1).
Genome position (GRCh38, 1-based): chrX:49,231,862, C>T on the plus strand (G>A on the coding strand, the complement: CACNA1F is on the minus strand). VCF-style: chrX-49231862-C-T. GRCh37 (hg19) VCF-style: chrX-49088324-C-T.
Other names: c.91G>A, p.Gly31Arg (NM_005183.4); c.66-170G>A (NM_001256790.3); short protein forms G31R.
Identifiers: ClinVar variation 391811 (VCV000391811.15), dbSNP rs782426237, ClinGen allele CA10411134.